The following is an entry in ClinVar:

ClinVar aggregate classification (germline): Uncertain significance. Review status: criteria provided, multiple submitters, no conflicts (2 of 4 stars). 2 submissions from 2 submitters: Uncertain significance (2). Last evaluated 2025-04-01.

Conditions:
Inborn genetic diseases. Identifiers: MedGen C0950123, MeSH D030342.

Submissions (2):

Ambry Genetics
Classification: Uncertain significance for Inborn genetic diseases. Last evaluated: 2025-04-01. Review status: criteria provided, single submitter. Criteria: Ambry Variant Classification Scheme 2023. Collection method: clinical testing. Allele origin: germline.

GeneDx
Classification: Uncertain significance. Last evaluated: 2024-02-27. Review status: criteria provided, single submitter. Criteria: GeneDx Variant Classification Process June 2021. Collection method: clinical testing. Allele origin: germline. Affected: yes.
Comment: Not observed at significant frequency in large population cohorts (gnomAD); In silico analysis supports that this missense variant has a deleterious effect on protein structure/function; Has not been previously published as pathogenic or benign to our knowledge

NM_001379291.1(BRD4):c.1448C>T (p.Pro483Leu)

Gene: BRD4 (bromodomain containing 4; minus strand). Cytogenetic location: 19p13.12.
Variant type: single nucleotide variant.
Coding change: c.1448C>T on transcript NM_001379291.1 (MANE Select); coding-DNA position 1448, C replaced by T.
Protein change: p.Pro483Leu; replaces proline 483 with leucine.
Molecular consequence: missense variant.
Genome position (GRCh38, 1-based): chr19:15,257,067, G>A on the plus strand (C>T on the coding strand, the complement: BRD4 is on the minus strand). VCF-style: chr19-15257067-G-A. GRCh37 (hg19) VCF-style: chr19-15367878-G-A.
Other names: c.1448C>T, p.Pro483Leu (NM_001330384.2, NM_001379292.1, NM_014299.3 and 1 more transcripts); short protein forms P483L.
Identifiers: ClinVar variation 3369749 (VCV003369749.2).
Genomic context (GRCh38, chr19:15,257,067, plus strand): 5'-GAGTCATCAGTCGAACTGTCACTGTCCGAGGAGCTATCGCTGCTGCTGTCGCTGGATGAG[G>A]GCGGGGCCACAACCTTGGTGGGAGGGGGCACTGCCGGGGAGGACACGGCCACCACTGGCT-3'
Protein context (NP_001366220.1, residues 473-493): VPPPTKVVAP[Pro483Leu]SSSDSSSDSS